The following is an entry in ClinVar:

NM_018230.3(NUP133):c.2210A>G (p.Gln737Arg)

Gene: NUP133 (nucleoporin 133; minus strand). Cytogenetic location: 1q42.13.
Variant type: single nucleotide variant.
Coding change: c.2210A>G on transcript NM_018230.3 (MANE Select); coding-DNA position 2210, A replaced by G.
Protein change: p.Gln737Arg; replaces glutamine 737 with arginine.
Molecular consequence: missense variant.
Genome position (GRCh38, 1-based): chr1:229,465,509, T>C on the plus strand (A>G on the coding strand, the complement: NUP133 is on the minus strand). VCF-style: chr1-229465509-T-C. GRCh37 (hg19) VCF-style: chr1-229601256-T-C.
Other names: c.2210A>G (NM_018230.2); short protein forms Q737R.
Identifiers: ClinVar variation 2058247 (VCV002058247.7), dbSNP rs202163820, ClinGen allele CA1443340.
Genomic context (GRCh38, chr1:229,465,509, plus strand): 5'-TCTAGTGATTCTTCTCTTCTATACAAAGAGTTTCTATTTTGGCGATAATGACTAGCAGCC[T>C]GCAGCATATCCTGGAAAAAAAGTTAATGTGTTATCACATGCAAAAGGTGATGGATCACAG-3'
Protein context (NP_060700.2, residues 727-747): NVNNILKDML[Gln737Arg]AASHYRQNRN

ClinVar aggregate classification (germline): Uncertain significance. Review status: criteria provided, multiple submitters, no conflicts (2 of 4 stars). 3 submissions from 3 submitters: Uncertain significance (3). Last evaluated 2025-12-11.

Conditions:
Galloway-Mowat syndrome. Also called: GALLOWAY SYNDROME. Identifiers: Orphanet 2065, MedGen C0795949, MONDO:0009627.
focal and segmental glomerulosclerosis.

Allele frequency attached by ClinVar (database versions not stated): gnomAD 0.00007; ExAC 0.00011; TOPMed 0.00014; 1000 Genomes Project 30x 0.00031; 1000 Genomes Project 0.00040.
gnomAD v4.1: 94 of 1,613,180 alleles (0.0058%); highest among the groups gnomAD compares: East Asian, 0.14%; 1 homozygote.

Submissions (3):

Ambry Genetics
Classification: Uncertain significance. Last evaluated: 2025-12-11. Review status: criteria provided, single submitter. Criteria: Ambry Variant Classification Scheme 2023. Collection method: clinical testing. Allele origin: germline.
Comment: Does not currently meet published gene-disease clinical validity criteria Based on insufficient or conflicting evidence, the clinical significance of this alteration remains unclear.

Labcorp Genetics (formerly Invitae), Labcorp
Classification: Uncertain significance. Last evaluated: 2025-06-12. Review status: criteria provided, single submitter. Criteria: Invitae Variant Classification Sherloc (09022015). Collection method: clinical testing. Allele origin: germline.
Comment: This sequence change replaces glutamine, which is neutral and polar, with arginine, which is basic and polar, at codon 737 of the NUP133 protein (p.Gln737Arg). This variant is present in population databases (rs202163820, gnomAD 0.2%), and has an allele count higher than expected for a pathogenic variant. This variant has not been reported in the literature in individuals affected with NUP133-related conditions. ClinVar contains an entry for this variant (Variation ID: 2058247). An algorithm developed to predict the effect of missense changes on protein structure and function (PolyPhen-2) suggests that this variant is likely to be disruptive. In summary, the available evidence is currently insufficient to determine the role of this variant in disease. Therefore, it has been classified as a Variant of Uncertain Significance.

Clinical Genomics Laboratory, Stanford Medicine
Classification: Uncertain significance for Focal and Segmental Glomerulosclerosis; Galloway-Mowat Syndrome. Last evaluated: 2022-10-31. Review status: criteria provided, single submitter. Criteria: ACMG Guidelines, 2015. Collection method: clinical testing. Allele origin: germline. Observed: 1 variant allele, 1 heterozygote.

Literature cited by the submitters: PubMed 28106320 (cited by Ambry Genetics).